The following is an entry in ClinVar:

ClinVar aggregate classification (germline): Uncertain significance (3 of 4 stars; one submission).

Conditions:
Monogenic diabetes. Identifiers: Orphanet 183625, MedGen C3888631, MONDO:0015967.

Allele frequency attached by ClinVar (database versions not stated): gnomAD exomes below 0.00001.

Submission:

ClinGen Monogenic Diabetes Variant Curation Expert Panel
Classification: Uncertain significance for Monogenic diabetes. Last evaluated: 2025-08-05. Review status: reviewed by expert panel. Criteria: ClinGen Diabetes ACMG Specifications HNF1A V3.0.0. Collection method: curation. Allele origin: germline. Inheritance: Autosomal dominant inheritance.
Comment: The c.44C>T variant in the HNF1 homeobox A gene, HNF1A, causes an amino acid change of alanine to valine at codon 15 (p.(A15V)) of NM_000545.8. This variant is located within the dimerization domain (codons 1-32) of HNF1A, which is defined as critical for the protein’s function by the ClinGen MDEP (PM1_Supporting). This variant is also predicted to be deleterious by computational evidence, with a REVEL score of 0.879, which is greater than the MDEP threshold of 0.70 (PP3). This variant has an incomputable gnomAD v4.1.0 Grpmax filtering allele frequency due to 1 copy in the South Asian population and 0 copies in any other subpopulation, thereby meeting the ClinGen MDEP threshold criteria for PM2_Supporting (PM2_Supporting). This variant was identified in three unrelated individuals with non-autoimmune and non-absolute/near-absolute insulin-deficient diabetes; however, PS4_Moderate cannot be applied because this number is below the ClinGen MDEP threshold (internal lab contributors). One of these individuals has a clinical history highly specific for HNF1A-MODY (MODY probability calculator result >50%, negative genetic testing for HNF4A) (PP4; internal lab contributor). Also, this variant segregated with diabetes with one informative meiosis in a single family; however, this does not meet the thresholds for PP1 set by the ClinGen MDEP (PMID: 27236918, internal lab contributor). Taken together, this evidence supports the classification of c.44C>T as a variant of uncertain significance for monogenic diabetes. ACMG/AMP criteria applied, as specified by the ClinGen MDEP VCEP (specification version 3.0.0, approved 6/30/2025): PP3, PP4, PM1_Supporting, PM2_Supporting).

NM_000545.8(HNF1A):c.44C>T (p.Ala15Val)

Gene: HNF1A (HNF1 homeobox A; plus strand). Cytogenetic location: 12q24.31.
Variant type: single nucleotide variant.
Coding change: c.44C>T on transcript NM_000545.8 (MANE Select); coding-DNA position 44, C replaced by T.
Protein change: p.Ala15Val; replaces alanine 15 with valine.
Molecular consequence: missense variant.
Genome position (GRCh38, 1-based): chr12:120,978,812, C>T. VCF-style: chr12-120978812-C-T. GRCh37 (hg19) VCF-style: chr12-121416615-C-T.
Other names: NM_001306179.2:c.44C>T; c.44C>T, p.Ala15Val (NM_001306179.2); short protein forms A15V.
Identifiers: ClinVar variation 1327594 (VCV001327594.4), dbSNP rs2135819440, ClinGen allele CA386952489.